The following is an entry in ClinVar:

ClinVar aggregate classification (germline): Uncertain significance. Review status: criteria provided, multiple submitters, no conflicts (2 of 4 stars). 2 submissions from 2 submitters: Uncertain significance (2). Last evaluated 2026-04-08.

Conditions:
Inborn genetic diseases. Identifiers: MedGen C0950123, MeSH D030342.

Allele frequency attached by ClinVar (database versions not stated): gnomAD exomes below 0.00001.
gnomAD v4.1: 1 of 1,613,562 alleles (0.000062%); highest among the groups gnomAD compares: Non-Finnish European, 0.000085%; no homozygotes.

Submissions (2):

Ambry Genetics
Classification: Uncertain significance for Inborn genetic diseases. Last evaluated: 2026-04-08. Review status: criteria provided, single submitter. Criteria: Ambry Variant Classification Scheme 2023. Collection method: clinical testing. Allele origin: germline.

Labcorp Genetics (formerly Invitae), Labcorp
Classification: Uncertain significance. Last evaluated: 2021-12-03. Review status: criteria provided, single submitter. Criteria: Invitae Variant Classification Sherloc (09022015). Collection method: clinical testing. Allele origin: germline.
Comment: In summary, the available evidence is currently insufficient to determine the role of this variant in disease. Therefore, it has been classified as a Variant of Uncertain Significance. Algorithms developed to predict the effect of sequence changes on RNA splicing suggest that this variant may create or strengthen a splice site. Algorithms developed to predict the effect of missense changes on protein structure and function (SIFT, PolyPhen-2, Align-GVGD) all suggest that this variant is likely to be tolerated. This variant has not been reported in the literature in individuals affected with PPOX-related conditions. This variant is not present in population databases (gnomAD no frequency). This sequence change replaces arginine, which is basic and polar, with glutamine, which is neutral and polar, at codon 3 of the PPOX protein (p.Arg3Gln).

NM_001122764.3(PPOX):c.8G>A (p.Arg3Gln)

Gene: PPOX (protoporphyrinogen oxidase; plus strand). Cytogenetic location: 1q23.3.
Variant type: single nucleotide variant.
Coding change: c.8G>A on transcript NM_001122764.3 (MANE Select); coding-DNA position 8, G replaced by A.
Protein change: p.Arg3Gln; replaces arginine 3 with glutamine.
Molecular consequence: missense variant. On other transcripts: 5 prime UTR variant (5).
Genome position (GRCh38, 1-based): chr1:161,166,855, G>A. VCF-style: chr1-161166855-G-A. GRCh37 (hg19) VCF-style: chr1-161136645-G-A.
Other names: c.8G>A, p.Arg3Gln (NM_000309.5, NM_001350128.2, NM_001365398.1 and 1 more transcripts); c.-420G>A (NM_001350129.2); c.-511G>A (NM_001350130.2); c.-397G>A (NM_001350131.2); c.-304G>A (NM_001365400.1); c.-363G>A (NM_001365401.1); c.8G>A (NM_000309.3); short protein forms R3Q.
Identifiers: ClinVar variation 1425796 (VCV001425796.7), dbSNP rs2101841312, ClinGen allele CA343350315.